The following is an entry in ClinVar:

ClinVar aggregate classification (germline): Uncertain significance (1 of 4 stars; one submission).

Conditions:
Primary dilated cardiomyopathy (DCM). Also called: Dilated Cardiomyopathy. Identifiers: Orphanet 217604, MedGen C0007193, MeSH D002311, MONDO:0005021, HP:0001644. Inheritance: Various modes of inheritance.

Allele frequency attached by ClinVar (database versions not stated): gnomAD exomes below 0.00001; gnomAD 0.00001.
gnomAD v4.1: 3 of 1,395,230 alleles (0.00022%); highest among the groups gnomAD compares: Admixed American, 0.0034%; no homozygotes.

Submission:

Labcorp Genetics (formerly Invitae), Labcorp
Classification: Uncertain significance for Primary dilated cardiomyopathy. Last evaluated: 2023-03-07. Review status: criteria provided, single submitter. Criteria: Invitae Variant Classification Sherloc (09022015). Collection method: clinical testing. Allele origin: germline.
Comment: In summary, the available evidence is currently insufficient to determine the role of this variant in disease. Therefore, it has been classified as a Variant of Uncertain Significance. Algorithms developed to predict the effect of sequence changes on RNA splicing suggest that this variant may disrupt the consensus splice site. ClinVar contains an entry for this variant (Variation ID: 951126). This variant has not been reported in the literature in individuals affected with NEBL-related conditions. This variant is not present in population databases (gnomAD no frequency). This sequence change affects an acceptor splice site in intron 7 of the NEBL gene. It is expected to disrupt RNA splicing. Variants that disrupt the donor or acceptor splice site typically lead to a loss of protein function (PMID: 16199547), however the current clinical and genetic evidence is not sufficient to establish whether loss-of-function variants in NEBL cause disease.

Literature cited by the submitters: PubMed 16199547.

NM_006393.3(NEBL):c.685-1G>C

Gene: NEBL (nebulette; minus strand). Cytogenetic location: 10p12.31.
Variant type: single nucleotide variant.
Coding change: c.685-1G>C on transcript NM_006393.3 (MANE Select); the canonical splice acceptor site of the intron before coding-DNA position 685, G replaced by C.
Molecular consequence: splice acceptor variant. On other transcripts: intron variant (9).
Genome position (GRCh38, 1-based): chr10:20,859,827, C>G on the plus strand (G>C on the coding strand, the complement: NEBL is on the minus strand). VCF-style: chr10-20859827-C-G. GRCh37 (hg19) VCF-style: chr10-21148756-C-G.
Other names: c.250-46887G>C (NM_001377326.1, NM_001377327.1, NM_001377328.1); c.358-46887G>C (NM_213569.2, NM_001173484.2, NM_001377322.1); c.301-46887G>C (NM_001377324.1); c.292-46887G>C (NM_001377325.1); c.310-46887G>C (NM_001377323.1).
Identifiers: ClinVar variation 951126 (VCV000951126.6), dbSNP rs1843486814, ClinGen allele CA376102557.
Genomic context (GRCh38, chr10:20,859,827, plus strand): 5'-AGGATTGTAATGATGTTTCTTATCCTTCATTTCATTATCAAATTTTTCTTTGTATTTAAT[C>G]TGTCATAAAAGAGAAATAGTACATGTAACTTTACATTTAAAAGTAACACATATGATTTTC-3'